The following is an entry in ClinVar:

ClinVar aggregate classification (germline): Uncertain significance (1 of 4 stars; one submission).

Conditions:
Tuberous sclerosis 2 (TSC2). Identifiers: Orphanet 805, MedGen C1860707, MONDO:0013199, OMIM 613254.

Submission:

Dasa
Classification: Uncertain significance for Tuberous sclerosis 2. Last evaluated: 2026-04-10. Review status: criteria provided, single submitter. Criteria: DASA Assertion Criteria. Collection method: clinical testing. Allele origin: germline.
Comment: NM_000619.3(IFNG):c.106A>C (p.Lys36Gln) is a missense variant that results in the substitution of lysine with glutamine. This variant is rare in population databases. Computational prediction algorithms are consistent with a benign effect. The currently available literature and clinical evidence are not sufficient to establish a definitive association between this variant and the reported condition. Therefore, this variant is classified as a variant of uncertain significance.

NM_000619.3(IFNG):c.106A>C (p.Lys36Gln)

Gene: IFNG (interferon gamma; minus strand). Cytogenetic location: 12q15.
Variant type: single nucleotide variant.
Coding change: c.106A>C on transcript NM_000619.3 (MANE Select); coding-DNA position 106, A replaced by C.
Protein change: p.Lys36Gln; replaces lysine 36 with glutamine.
Molecular consequence: missense variant.
Genome position (GRCh38, 1-based): chr12:68,159,510, T>G on the plus strand (A>C on the coding strand, the complement: IFNG is on the minus strand). VCF-style: chr12-68159510-T-G. GRCh37 (hg19) VCF-style: chr12-68553290-T-G.
Other names: short protein forms K36Q.
Identifiers: ClinVar variation 4885710 (VCV004885710.2).